The following is an entry in ClinVar:

ClinVar aggregate classification (germline): Likely pathogenic (1 of 4 stars; one submission).

Submission:

Labcorp Genetics (formerly Invitae), Labcorp
Classification: Likely pathogenic. Last evaluated: 2024-03-16. Review status: criteria provided, single submitter. Criteria: Invitae Variant Classification Sherloc (09022015). Collection method: clinical testing. Allele origin: germline.
Comment: This sequence change replaces glycine, which is neutral and non-polar, with cysteine, which is neutral and slightly polar, at codon 276 of the COL2A1 protein (p.Gly276Cys). This variant is not present in population databases (gnomAD no frequency). This variant has not been reported in the literature in individuals affected with COL2A1-related conditions. Advanced modeling of protein sequence and biophysical properties (such as structural, functional, and spatial information, amino acid conservation, physicochemical variation, residue mobility, and thermodynamic stability) performed at Invitae indicates that this missense variant is expected to disrupt COL2A1 protein function with a positive predictive value of 95%. This variant disrupts the triple helix domain of COL2A1. Glycine residues within the Gly-Xaa-Yaa repeats of the triple helix domain are required for the structure and stability of fibrillar collagens (PMID: 7695699, 8218237, 19344236). In COL2A1, variants affecting these glycine residues are significantly enriched in individuals with disease (PMID: 9016532, 17078022) compared to the general population (ExAC). In summary, the currently available evidence indicates that the variant is pathogenic, but additional data are needed to prove that conclusively. Therefore, this variant has been classified as Likely Pathogenic.

Literature cited by the submitters: PubMed 7695699; PubMed 8218237; PubMed 19344236; PubMed 9016532; PubMed 17078022.

NM_001844.5(COL2A1):c.826G>T (p.Gly276Cys)

Gene: COL2A1 (collagen type II alpha 1 chain; minus strand). Cytogenetic location: 12q13.11.
Variant type: single nucleotide variant.
Coding change: c.826G>T on transcript NM_001844.5 (MANE Select); coding-DNA position 826, G replaced by T.
Protein change: p.Gly276Cys; replaces glycine 276 with cysteine.
Molecular consequence: missense variant.
Genome position (GRCh38, 1-based): chr12:47,994,038, C>A on the plus strand (G>T on the coding strand, the complement: COL2A1 is on the minus strand). VCF-style: chr12-47994038-C-A. GRCh37 (hg19) VCF-style: chr12-48387821-C-A.
Other names: c.619G>T, p.Gly207Cys (NM_033150.3); short protein forms G207C, G276C.
Identifiers: ClinVar variation 3646273 (VCV003646273.2).